The following is an entry in ClinVar:

NM_030665.4(RAI1):c.3401C>T (p.Pro1134Leu)

Gene: RAI1 (retinoic acid induced 1; plus strand). Cytogenetic location: 17p11.2.
Variant type: single nucleotide variant.
Coding change: c.3401C>T on transcript NM_030665.4 (MANE Select); coding-DNA position 3401, C replaced by T.
Protein change: p.Pro1134Leu; replaces proline 1134 with leucine.
Molecular consequence: missense variant.
Genome position (GRCh38, 1-based): chr17:17,796,349, C>T. VCF-style: chr17-17796349-C-T. GRCh37 (hg19) VCF-style: chr17-17699663-C-T.
Other names: c.3401C>T (NM_030665.3); short protein forms P1134L.
Identifiers: ClinVar variation 1465426 (VCV001465426.14), dbSNP rs2032247780, ClinGen allele CA398553602.

ClinVar aggregate classification (germline): Conflicting classifications of pathogenicity. Review status: criteria provided, conflicting classifications (1 of 4 stars). 4 submissions from 4 submitters: Uncertain significance (3); Benign (1). Last evaluated 2025-11-01.

Conditions:
Smith-Magenis syndrome (SMS). Also called: CHROMOSOME 17p11.2 DELETION SYNDROME. Identifiers: Orphanet 819, MedGen C0795864, MONDO:0008434, OMIM 182290.
RAI1-related disorder. Also called: RAI1-related condition.

Allele frequency attached by ClinVar (database versions not stated): gnomAD 0.00001.
gnomAD v4.1: 3 of 1,613,424 alleles (0.00019%); highest among the groups gnomAD compares: Admixed American, 0.0033%; no homozygotes.

Submissions (4):

PreventionGenetics, part of Exact Sciences
Classification: Uncertain significance for RAI1-related condition. Last evaluated: 2025-11-01. Review status: criteria provided, single submitter. Criteria: ACMG Guidelines, 2015. Collection method: clinical testing. Allele origin: germline.
Comment: The RAI1 c.3401C>T variant is predicted to result in the amino acid substitution p.Pro1134Leu. To our knowledge, this variant has not been reported in the literature or in a large population database, indicating this variant is rare. At this time, the clinical significance of this variant is uncertain due to the absence of conclusive functional and genetic evidence.

Labcorp Genetics (formerly Invitae), Labcorp
Classification: Benign. Last evaluated: 2025-07-08. Review status: criteria provided, single submitter. Criteria: Invitae Variant Classification Sherloc (09022015). Collection method: clinical testing. Allele origin: germline.

Women's Health and Genetics/Laboratory Corporation of America, LabCorp
Classification: Uncertain significance. Last evaluated: 2025-06-10. Review status: criteria provided, single submitter. Criteria: LabCorp Variant Classification Summary - May 2015. Collection method: clinical testing. Allele origin: germline.
Comment: Variant summary: RAI1 c.3401C>T (p.Pro1134Leu) results in a non-conservative amino acid change in the encoded protein sequence. Algorithms developed to predict the effect of missense changes on protein structure and function are either unavailable or do not agree on the potential impact of this missense change. The variant was absent in 250622 control chromosomes. The available data on variant occurrences in the general population are insufficient to allow any conclusion about variant significance. To our knowledge, no occurrence of c.3401C>T in individuals affected with RAI1-related conditions and no experimental evidence demonstrating its impact on protein function have been reported. ClinVar contains an entry for this variant (Variation ID: 1465426). Based on the evidence outlined above, the variant was classified as uncertain significance.

Revvity Omics, Revvity
Classification: Uncertain significance for Smith-Magenis syndrome. Last evaluated: 2023-02-22. Review status: criteria provided, single submitter. Criteria: ACMG Guidelines, 2015. Collection method: clinical testing. Allele origin: germline.